The following is an entry in ClinVar:

ClinVar aggregate classification (germline): Conflicting classifications of pathogenicity. Review status: criteria provided, conflicting classifications (1 of 4 stars). 4 submissions from 4 submitters: Uncertain significance (3); Likely benign (1). Last evaluated 2025-03-11.

Conditions:
Hereditary cancer-predisposing syndrome. Also called: Hereditary neoplastic syndrome; Tumor predisposition; Neoplastic Syndromes, Hereditary; Hereditary Cancer Syndrome. Identifiers: Orphanet 140162, MedGen C0027672, MeSH D009386, MONDO:0015356.
Tuberous sclerosis 1 (TSC1). Identifiers: Orphanet 805, MedGen C1854465, MONDO:0008612, OMIM 191100.

Submissions (4):

Labcorp Genetics (formerly Invitae), Labcorp
Classification: Uncertain significance for Tuberous sclerosis 1. Last evaluated: 2025-03-11. Review status: criteria provided, single submitter. Criteria: Invitae Variant Classification Sherloc (09022015). Collection method: clinical testing. Allele origin: germline.
Comment: This sequence change affects codon 221 of the TSC1 mRNA. It is a 'silent' change, meaning that it does not change the encoded amino acid sequence of the TSC1 protein. This variant also falls at the last nucleotide of exon 7, which is part of the consensus splice site for this exon. This variant is not present in population databases (gnomAD no frequency). This variant has not been reported in the literature in individuals affected with TSC1-related conditions. ClinVar contains an entry for this variant (Variation ID: 958750). Variants that disrupt the consensus splice site are a relatively common cause of aberrant splicing (PMID: 17576681, 9536098). Algorithms developed to predict the effect of sequence changes on RNA splicing suggest that this variant may disrupt the consensus splice site. In summary, the available evidence is currently insufficient to determine the role of this variant in disease. Therefore, it has been classified as a Variant of Uncertain Significance.

Ambry Genetics
Classification: Likely benign for Hereditary cancer-predisposing syndrome. Last evaluated: 2024-03-05. Review status: criteria provided, single submitter. Criteria: Ambry Variant Classification Scheme 2023. Collection method: clinical testing. Allele origin: germline.

Genome-Nilou Lab
Classification: Uncertain significance for Tuberous sclerosis 1. Last evaluated: 2021-11-07. Review status: criteria provided, single submitter. Criteria: ACMG Guidelines, 2015. Collection method: clinical testing. Allele origin: germline. Affected: no.

GeneDx
Classification: Uncertain significance. Last evaluated: 2020-06-22. Review status: criteria provided, single submitter. Criteria: GeneDx Variant Classification Process June 2021. Collection method: clinical testing. Allele origin: germline. Affected: yes.
Comment: Not observed in large population cohorts (Lek et al., 2016); Has not been previously published as pathogenic or benign to our knowledge; In-silico analysis, which includes splice predictors and evolutionary conservation, is inconclusive as to whether the variant alters gene splicing. In the absence of RNA/functional studies, the actual effect of this sequence change is unknown.

Literature cited by the submitters: PubMed 17576681 (cited by Labcorp Genetics (formerly Invitae), Labcorp); PubMed 9536098 (cited by Labcorp Genetics (formerly Invitae), Labcorp).

NM_000368.5(TSC1):c.663G>A (p.Lys221=)

Gene: TSC1 (TSC complex subunit 1; minus strand). Cytogenetic location: 9q34.13.
Variant type: single nucleotide variant.
Coding change: c.663G>A on transcript NM_000368.5 (MANE Select); coding-DNA position 663, G replaced by A.
Protein change: p.Lys221=; no amino-acid change (lysine 221 retained).
Molecular consequence: synonymous variant.
Genome position (GRCh38, 1-based): chr9:132,921,819, C>T on the plus strand (G>A on the coding strand, the complement: TSC1 is on the minus strand). VCF-style: chr9-132921819-C-T. GRCh37 (hg19) VCF-style: chr9-135797206-C-T.
Other names: c.663G>A, p.Lys221= (NM_001162426.2); c.510G>A, p.Lys170= (NM_001162427.2); c.300G>A, p.Lys100= (NM_001362177.2).
Identifiers: ClinVar variation 958750 (VCV000958750.11), dbSNP rs868715706, ClinGen allele CA467593761.